The following is an entry in ClinVar:

ClinVar aggregate classification (germline): Likely benign. Review status: criteria provided, multiple submitters, no conflicts (2 of 4 stars). 2 submissions from 2 submitters: Likely benign (2). Last evaluated 2025-07-14.

Conditions:
Long QT syndrome (LQTS). Identifiers: MedGen C0023976, MeSH D008133, MONDO:0002442. Disease mechanism: loss of function. Inheritance: Various modes of inheritance.

Allele frequency attached by ClinVar (database versions not stated): gnomAD exomes 0.00003; TOPMed 0.00003; ExAC 0.00004; gnomAD 0.00004 and 0.00005; ESP Exome Variant Server 0.00008; 1000 Genomes Project 30x 0.00016; 1000 Genomes Project 0.00020.
gnomAD v4.1: 19 of 1,554,022 alleles (0.0012%); highest among the groups gnomAD compares: African/African-American, 0.014%; no homozygotes.

Submissions (2):

Labcorp Genetics (formerly Invitae), Labcorp
Classification: Likely benign for Long QT syndrome. Last evaluated: 2025-07-14. Review status: criteria provided, single submitter. Criteria: Invitae Variant Classification Sherloc (09022015). Collection method: clinical testing. Allele origin: germline.

GeneDx
Classification: Likely benign. Last evaluated: 2017-03-07. Review status: criteria provided, single submitter. Criteria: GeneDx Variant Classification (06012015). Collection method: clinical testing. Allele origin: germline. Affected: yes.
Comment: This variant is considered likely benign or benign based on one or more of the following criteria: it is a conservative change, it occurs at a poorly conserved position in the protein, it is predicted to be benign by multiple in silico algorithms, and/or has population frequency not consistent with disease.

NM_000719.7(CACNA1C):c.1481+16G>A

Gene: CACNA1C (calcium voltage-gated channel subunit alpha1 C; plus strand). Cytogenetic location: 12p13.33.
Variant type: single nucleotide variant.
Coding change: c.1481+16G>A on transcript NM_000719.7 (MANE Select); 16 bases into the intron after coding-DNA position 1481, G replaced by A.
Molecular consequence: intron variant.
Genome position (GRCh38, 1-based): chr12:2,550,049, G>A. VCF-style: chr12-2550049-G-A. GRCh37 (hg19) VCF-style: chr12-2659215-G-A.
Other names: c.1481+16G>A (NM_001129842.2, NM_001129829.2, NM_001129834.2 and 18 more transcripts); c.1472+16G>A (NM_001129844.2).
Identifiers: ClinVar variation 517775 (VCV000517775.6), dbSNP rs369604192, ClinGen allele CA6388746.